The following is an entry in ClinVar:

NM_183235.3(RAB27A):c.112T>C (p.Phe38Leu)

Gene: RAB27A (RAB27A, member RAS oncogene family; minus strand). Cytogenetic location: 15q21.3.
Variant type: single nucleotide variant.
Coding change: c.112T>C on transcript NM_183235.3 (MANE Select); coding-DNA position 112, T replaced by C.
Protein change: p.Phe38Leu; replaces phenylalanine 38 with leucine.
Molecular consequence: missense variant.
Genome position (GRCh38, 1-based): chr15:55,234,823, A>G on the plus strand (T>C on the coding strand, the complement: RAB27A is on the minus strand). VCF-style: chr15-55234823-A-G. GRCh37 (hg19) VCF-style: chr15-55527021-A-G.
Other names: c.112T>C, p.Phe38Leu (NM_004580.5, NM_183234.3, NM_183236.3); short protein forms F38L.
Identifiers: ClinVar variation 2783131 (VCV002783131.3), dbSNP rs2542814707, ClinGen allele CA392530843.

ClinVar aggregate classification (germline): Uncertain significance (1 of 4 stars; one submission).

Conditions:
Griscelli syndrome type 2 (GS2). Also called: PAID SYNDROME; PARTIAL ALBINISM AND IMMUNODEFICIENCY SYNDROME; GRISCELLI SYNDROME WITH HEMOPHAGOCYTIC SYNDROME. Identifiers: Orphanet 381, Orphanet 79477, MedGen C1868679, MONDO:0011872, OMIM 607624.

Allele frequency attached by ClinVar (database versions not stated): gnomAD exomes below 0.00001.
gnomAD v4.1: 2 of 1,612,286 alleles (0.00012%); highest among the groups gnomAD compares: Non-Finnish European, 0.00017%; no homozygotes.

Submission:

Labcorp Genetics (formerly Invitae), Labcorp
Classification: Uncertain significance for Griscelli syndrome type 2. Last evaluated: 2023-11-19. Review status: criteria provided, single submitter. Criteria: Invitae Variant Classification Sherloc (09022015). Collection method: clinical testing. Allele origin: germline.
Comment: This sequence change replaces phenylalanine, which is neutral and non-polar, with leucine, which is neutral and non-polar, at codon 38 of the RAB27A protein (p.Phe38Leu). This variant is not present in population databases (gnomAD no frequency). This variant has not been reported in the literature in individuals affected with RAB27A-related conditions. Advanced modeling of protein sequence and biophysical properties (such as structural, functional, and spatial information, amino acid conservation, physicochemical variation, residue mobility, and thermodynamic stability) performed at Invitae indicates that this missense variant is expected to disrupt RAB27A protein function with a positive predictive value of 95%. In summary, the available evidence is currently insufficient to determine the role of this variant in disease. Therefore, it has been classified as a Variant of Uncertain Significance.